The following is an entry in ClinVar:

ClinVar aggregate classification (germline): Uncertain significance. Review status: criteria provided, multiple submitters, no conflicts (2 of 4 stars). 3 submissions from 3 submitters: Uncertain significance (2). 1 of the submissions does not count toward it. Last evaluated 2025-04-08.

Conditions:
Hemolytic uremic syndrome, atypical, susceptibility to, 1. Also called: AHUS, SUSCEPTIBILITY TO, 1. Identifiers: Orphanet 2134, Orphanet 90038, MedGen C2749604, MONDO:0009335, OMIM 235400. Disease mechanism: Other.
Basal laminar drusen. Also called: DRUSEN OF BRUCH MEMBRANE; DRUSEN, CUTICULAR; DRUSEN, EARLY ADULT-ONSET, GROUPED. Identifiers: Orphanet 75376, MedGen C0730295, MONDO:0007472, OMIM 126700.
Factor H deficiency (CFHD). Also called: COMPLEMENT FACTOR H DEFICIENCY; CFH DEFICIENCY. Identifiers: Orphanet 200421, MedGen C0398777, MONDO:0012350, OMIM 609814.
Age related macular degeneration 4. Identifiers: MedGen C1853147, MONDO:0012540, OMIM 610698.

Allele frequency attached by ClinVar (database versions not stated): gnomAD exomes below 0.00001; TOPMed 0.00001.
gnomAD v4.1: 2 of 1,611,790 alleles (0.00012%); highest among the groups gnomAD compares: Non-Finnish European, 0.00017%; no homozygotes.

Submissions (3):

GeneDx
Classification: Uncertain significance. Last evaluated: 2025-04-08. Review status: criteria provided, single submitter. Criteria: GeneDx Variant Classification Process June 2021. Collection method: clinical testing. Allele origin: germline. Affected: yes.
Comment: Not observed at significant frequency in large population cohorts (gnomAD); In silico analysis supports that this missense variant has a deleterious effect on protein structure/function; Has not been previously published as pathogenic or benign to our knowledge

Fulgent Genetics
Classification: Uncertain significance for Basal laminar drusen; Hemolytic uremic syndrome, atypical, susceptibility to, 1; Factor H deficiency; Age related macular degeneration 4. Last evaluated: 2024-03-09. Review status: criteria provided, single submitter. Criteria: ACMG Guidelines, 2015. Collection method: clinical testing. Allele origin: germline.

Gharavi Laboratory, Columbia University
Classification: Uncertain significance. Last evaluated: 2018-09-16. Review status: no assertion criteria provided. Criteria: ACMG Guidelines, 2015. Collection method: research. Allele origin: germline. Affected: yes. Not counted in ClinVar's aggregate classification.

NM_000186.4(CFH):c.2027G>A (p.Gly676Glu)

Gene: CFH (complement factor H; plus strand). Cytogenetic location: 1q31.3.
Variant type: single nucleotide variant.
Coding change: c.2027G>A on transcript NM_000186.4 (MANE Select); coding-DNA position 2027, G replaced by A.
Protein change: p.Gly676Glu; replaces glycine 676 with glutamic acid.
Molecular consequence: missense variant.
Genome position (GRCh38, 1-based): chr1:196,726,623, G>A. VCF-style: chr1-196726623-G-A. GRCh37 (hg19) VCF-style: chr1-196695753-G-A.
Other names: c.2027G>A (NM_000186.3); short protein forms G676E.
Identifiers: ClinVar variation 591101 (VCV000591101.3), dbSNP rs1558178947, ClinGen allele CA343988218.